The following is an entry in ClinVar:

ClinVar aggregate classification (germline): Likely pathogenic (1 of 4 stars; one submission).

Submission:

Labcorp Genetics (formerly Invitae), Labcorp
Classification: Likely pathogenic. Last evaluated: 2020-10-12. Review status: criteria provided, single submitter. Criteria: Invitae Variant Classification Sherloc (09022015). Collection method: clinical testing. Allele origin: germline.
Comment: This sequence change affects a donor splice site in intron 7 of the GLE1 gene. It is expected to disrupt RNA splicing and likely results in an absent or disrupted protein product. This variant is not present in population databases (ExAC no frequency). This variant has not been reported in the literature in individuals with GLE1-related conditions. Algorithms developed to predict the effect of sequence changes on RNA splicing suggest that this variant may disrupt the consensus splice site, but this prediction has not been confirmed by published transcriptional studies. Donor and acceptor splice site variants typically lead to a loss of protein function (PMID: 16199547), and loss-of-function variants in GLE1 are known to be pathogenic (PMID: 18204449, 24243016, 27684565). In summary, the currently available evidence indicates that the variant is pathogenic, but additional data are needed to prove that conclusively. Therefore, this variant has been classified as Likely Pathogenic.

Literature cited by the submitters: PubMed 16199547; PubMed 18204449; PubMed 24243016; PubMed 27684565.

NM_001003722.2(GLE1):c.1129+1G>C

Gene: GLE1 (GLE1 RNA export mediator; plus strand). Cytogenetic location: 9q34.11.
Variant type: single nucleotide variant.
Coding change: c.1129+1G>C on transcript NM_001003722.2 (MANE Select); the canonical splice donor site of the intron after coding-DNA position 1129, G replaced by C.
Molecular consequence: splice donor variant.
Genome position (GRCh38, 1-based): chr9:128,525,424, G>C. VCF-style: chr9-128525424-G-C. GRCh37 (hg19) VCF-style: chr9-131287703-G-C.
Other names: c.1129+1G>C (NM_001499.2, NM_001411013.1).
Identifiers: ClinVar variation 1067717 (VCV001067717.7), dbSNP rs2132466105, ClinGen allele CA375041274.